The following is an entry in ClinVar:

NM_001366521.1(ATP2B1):c.1654C>T (p.Leu552Phe)

Gene: ATP2B1 (ATPase plasma membrane Ca2+ transporting 1; minus strand). Cytogenetic location: 12q21.33.
Variant type: single nucleotide variant.
Coding change: c.1654C>T on transcript NM_001366521.1 (MANE Select); coding-DNA position 1654, C replaced by T.
Protein change: p.Leu552Phe; replaces leucine 552 with phenylalanine.
Molecular consequence: missense variant. On other transcripts: non-coding transcript variant (3).
Genome position (GRCh38, 1-based): chr12:89,620,174, G>A on the plus strand (C>T on the coding strand, the complement: ATP2B1 is on the minus strand). VCF-style: chr12-89620174-G-A. GRCh37 (hg19) VCF-style: chr12-90013951-G-A.
Other names: c.1654C>T, p.Leu552Phe (NM_001001323.2, NM_001366520.1, NM_001366522.1 and 12 more transcripts); c.1513C>T, p.Leu505Phe (NM_001413051.1, NM_001413052.1, NM_001413055.1); c.1456C>T, p.Leu486Phe (NM_001413053.1, NM_001366530.1); c.1411C>T, p.Leu471Phe (NM_001413054.1); c.1399C>T, p.Leu467Phe (NM_001413056.1); c.1201C>T, p.Leu401Phe (NM_001413057.1); c.1093C>T, p.Leu365Phe (NM_001413058.1, NM_001413059.1, NM_001366531.1 and 2 more transcripts); c.1615C>T, p.Leu539Phe (NM_001413048.1); short protein forms L365F, L401F, L467F, L471F, L486F, L505F, L539F, L552F.
Identifiers: ClinVar variation 4885738 (VCV004885738.2).

ClinVar aggregate classification (germline): Uncertain significance (1 of 4 stars; one submission).

gnomAD v4.1: 2 of 1,614,040 alleles (0.00012%); highest among the groups gnomAD compares: Non-Finnish European, 0.00017%; no homozygotes.

Submission:

Dasa
Classification: Uncertain significance. Last evaluated: 2025-12-31. Review status: criteria provided, single submitter. Criteria: DASA Assertion Criteria. Collection method: clinical testing. Allele origin: germline.
Comment: NM_001366521.1(ATP2B1):c.1654C>T (p.Leu552Phe) is a missense variant that results in the substitution of leucine with phenylalanine. This variant is rare in population databases. Computational prediction algorithms are consistent with a benign effect. The currently available literature and clinical evidence are not sufficient to establish a definitive association between this variant and the reported condition. Therefore, this variant is classified as a variant of uncertain significance.